The following is an entry in ClinVar:

ClinVar aggregate classification (germline): Uncertain significance. Review status: criteria provided, multiple submitters, no conflicts (2 of 4 stars). 2 submissions from 2 submitters: Uncertain significance (2). Last evaluated 2025-09-07.

gnomAD v4.1: 4 of 1,613,986 alleles (0.00025%); highest among the groups gnomAD compares: African/African-American, 0.0013%; no homozygotes.

Submissions (2):

Labcorp Genetics (formerly Invitae), Labcorp
Classification: Uncertain significance. Last evaluated: 2025-09-07. Review status: criteria provided, single submitter. Criteria: Invitae Variant Classification Sherloc (09022015). Collection method: clinical testing. Allele origin: germline.
Comment: This sequence change replaces aspartic acid, which is acidic and polar, with glutamic acid, which is acidic and polar, at codon 509 of the ARHGEF1 protein (p.Asp509Glu). This variant is present in population databases (rs140077307, gnomAD 0.0009%). This variant has not been reported in the literature in individuals affected with ARHGEF1-related conditions. ClinVar contains an entry for this variant (Variation ID: 1521090). An algorithm developed to predict the effect of missense changes on protein structure and function (PolyPhen-2) suggests that this variant is likely to be disruptive. In summary, the available evidence is currently insufficient to determine the role of this variant in disease. Therefore, it has been classified as a Variant of Uncertain Significance.

Ambry Genetics
Classification: Uncertain significance. Last evaluated: 2024-12-23. Review status: criteria provided, single submitter. Criteria: Ambry Variant Classification Scheme 2023. Collection method: clinical testing. Allele origin: germline.

NM_004706.4(ARHGEF1):c.1482C>G (p.Asp494Glu)

Gene: ARHGEF1 (Rho guanine nucleotide exchange factor 1; plus strand). Cytogenetic location: 19q13.2.
Variant type: single nucleotide variant.
Coding change: c.1482C>G on transcript NM_004706.4 (MANE Select); coding-DNA position 1482, C replaced by G.
Protein change: p.Asp494Glu; replaces aspartic acid 494 with glutamic acid.
Molecular consequence: missense variant.
Genome position (GRCh38, 1-based): chr19:41,902,341, C>G. VCF-style: chr19-41902341-C-G. GRCh37 (hg19) VCF-style: chr19-42406491-C-G.
Other names: c.1383C>G, p.Asp461Glu (NM_198977.2); c.1527C>G, p.Asp509Glu (NM_199002.2); c.1527C>G (NM_199002.1); short protein forms D461E, D509E, D494E.
Identifiers: ClinVar variation 1521090 (VCV001521090.7), dbSNP rs140077307, ClinGen allele CA9466385.